The following is an entry in ClinVar:

ClinVar aggregate classification (germline): Uncertain significance. Review status: criteria provided, multiple submitters, no conflicts (2 of 4 stars). 5 submissions from 5 submitters: Uncertain significance (3). 2 of the submissions do not count toward it. Last evaluated 2025-03-30.

Conditions:
CAMTA1-related disorder. Also called: CAMTA1-related condition.
Cerebellar dysfunction with variable cognitive and behavioral abnormalities (CECBA). Also called: Nonprogressive cerebellar atxia with intellectual disability. Identifiers: Orphanet 314647, MedGen C3553661, MONDO:0013886, OMIM 614756.

Allele frequency attached by ClinVar (database versions not stated): ExAC 0.00006; ESP Exome Variant Server 0.00008; gnomAD exomes 0.00008 and 0.00011; gnomAD 0.00012 and 0.00013; TOPMed 0.00013; 1000 Genomes Project 30x 0.00016; 1000 Genomes Project 0.00020.
gnomAD v4.1: 188 of 1,614,024 alleles (0.012%); highest among the groups gnomAD compares: East Asian, 0.24%; no homozygotes.

Submissions (5):

Labcorp Genetics (formerly Invitae), Labcorp
Classification: Uncertain significance. Last evaluated: 2025-03-30. Review status: criteria provided, single submitter. Criteria: Invitae Variant Classification Sherloc (09022015). Collection method: clinical testing. Allele origin: germline.
Comment: This sequence change replaces glutamic acid, which is acidic and polar, with lysine, which is basic and polar, at codon 1285 of the CAMTA1 protein (p.Glu1285Lys). This variant is present in population databases (rs375995525, gnomAD 0.05%), and has an allele count higher than expected for a pathogenic variant. This variant has not been reported in the literature in individuals affected with CAMTA1-related conditions. ClinVar contains an entry for this variant (Variation ID: 1299991). Invitae Evidence Modeling of protein sequence and biophysical properties (such as structural, functional, and spatial information, amino acid conservation, physicochemical variation, residue mobility, and thermodynamic stability) indicates that this missense variant is not expected to disrupt CAMTA1 protein function with a negative predictive value of 80%. In summary, the available evidence is currently insufficient to determine the role of this variant in disease. Therefore, it has been classified as a Variant of Uncertain Significance.

PreventionGenetics, part of Exact Sciences
Classification: Uncertain significance for CAMTA1-related condition. Last evaluated: 2025-02-04. Review status: criteria provided, single submitter. Criteria: ACMG Guidelines, 2015. Collection method: clinical testing. Allele origin: germline.
Comment: The CAMTA1 c.3853G>A variant is predicted to result in the amino acid substitution p.Glu1285Lys. To our knowledge, this variant has not been reported in the literature. This variant is reported in 0.045% of alleles in individuals of East Asian descent in gnomAD, which may be too common to be a primary cause of disease. Although we suspect that this variant may be benign, at this time, the clinical significance of this variant is uncertain due to the absence of conclusive functional and genetic evidence.

Fulgent Genetics
Classification: Uncertain significance for Cerebellar dysfunction with variable cognitive and behavioral abnormalities. Last evaluated: 2022-01-28. Review status: criteria provided, single submitter. Criteria: ACMG Guidelines, 2015. Collection method: clinical testing. Allele origin: unknown.

Clinical Genetics DNA and cytogenetics Diagnostics Lab, Erasmus MC, Erasmus Medical Center
Classification: Uncertain significance. Review status: no assertion criteria provided. Collection method: clinical testing. Allele origin: germline. Affected: yes. Study: VKGL Data-share Consensus. Not counted in ClinVar's aggregate classification.

Laboratory of Diagnostic Genome Analysis, Leiden University Medical Center (LUMC)
Classification: Uncertain significance. Review status: no assertion criteria provided. Collection method: clinical testing. Allele origin: germline. Affected: yes. Study: VKGL Data-share Consensus. Not counted in ClinVar's aggregate classification.

NM_015215.4(CAMTA1):c.3853G>A (p.Glu1285Lys)

Genes: CAMTA1 (calmodulin binding transcription activator 1; plus strand), LOC126805603 (CDK7 strongly-dependent group 2 enhancer GRCh37_chr1:7798026-7799225; plus strand). Cytogenetic location: 1p36.23.
Variant type: single nucleotide variant.
Coding change: c.3853G>A on transcript NM_015215.4 (MANE Select); coding-DNA position 3853, G replaced by A.
Protein change: p.Glu1285Lys; replaces glutamic acid 1285 with lysine.
Molecular consequence: missense variant. On other transcripts: intron variant (11).
Genome position (GRCh38, 1-based): chr1:7,738,153, G>A. VCF-style: chr1-7738153-G-A. GRCh37 (hg19) VCF-style: chr1-7798213-G-A.
Other names: c.3853G>A (NM_015215.3); c.3763G>A, p.Glu1255Lys (NM_001349608.2); c.982G>A, p.Glu328Lys (NM_001349613.1); c.925G>A, p.Glu309Lys (NM_001349614.1, NM_001349615.2, NM_001349616.2 and 2 more transcripts); c.3659-145G>A (NM_001349609.2, NM_001349610.2); c.3569-145G>A (NM_001349612.2); c.731-145G>A (NM_001349620.1, NM_001349621.1, NM_001349625.2 and 5 more transcripts); short protein forms E1255K, E1285K, E309K, E328K.
Identifiers: ClinVar variation 1299991 (VCV001299991.4), dbSNP rs375995525, ClinGen allele CA567034.